The following is an entry in ClinVar:

ClinVar aggregate classification (germline): Uncertain significance (1 of 4 stars; one submission).

Submission:

Labcorp Genetics (formerly Invitae), Labcorp
Classification: Uncertain significance. Last evaluated: 2024-05-19. Review status: criteria provided, single submitter. Criteria: Invitae Variant Classification Sherloc (09022015). Collection method: clinical testing. Allele origin: germline.
Comment: This sequence change replaces aspartic acid, which is acidic and polar, with glutamic acid, which is acidic and polar, at codon 149 of the COL7A1 protein (p.Asp149Glu). This variant is not present in population databases (gnomAD no frequency). This variant has not been reported in the literature in individuals affected with COL7A1-related conditions. Advanced modeling of protein sequence and biophysical properties (such as structural, functional, and spatial information, amino acid conservation, physicochemical variation, residue mobility, and thermodynamic stability) performed at Invitae indicates that this missense variant is not expected to disrupt COL7A1 protein function with a negative predictive value of 95%. In summary, the available evidence is currently insufficient to determine the role of this variant in disease. Therefore, it has been classified as a Variant of Uncertain Significance.

NM_000094.4(COL7A1):c.447C>A (p.Asp149Glu)

Gene: COL7A1 (collagen type VII alpha 1 chain; minus strand). Cytogenetic location: 3p21.31.
Variant type: single nucleotide variant.
Coding change: c.447C>A on transcript NM_000094.4 (MANE Select); coding-DNA position 447, C replaced by A.
Protein change: p.Asp149Glu; replaces aspartic acid 149 with glutamic acid.
Molecular consequence: missense variant.
Genome position (GRCh38, 1-based): chr3:48,593,429, G>T on the plus strand (C>A on the coding strand, the complement: COL7A1 is on the minus strand). VCF-style: chr3-48593429-G-T. GRCh37 (hg19) VCF-style: chr3-48630862-G-T.
Other names: short protein forms D149E.
Identifiers: ClinVar variation 3667812 (VCV003667812.2).
Genomic context (GRCh38, chr3:48,593,429, plus strand): 5'-CTTGACCCCCTGCCCCTTCAGCCTTTGGGCAGCTGTGTCCACCAGGTCCTGGGACTTCCC[G>T]TCTGTGATCAGGATGCAGACCTGGGACAGGTGCAGGGGTCAAATCACGGTTCCCCTGGAC-3'
Protein context (NP_000085.1, residues 139-159): GVPKVCILIT[Asp149Glu]GKSQDLVDTA